The following is an entry in ClinVar:

ClinVar aggregate classification (germline): Uncertain significance (1 of 4 stars; one submission).

gnomAD v4.1: 1 of 1,614,034 alleles (0.000062%); highest among the groups gnomAD compares: Non-Finnish European, 0.000085%; no homozygotes.

Submission:

Labcorp Genetics (formerly Invitae), Labcorp
Classification: Uncertain significance. Last evaluated: 2022-05-07. Review status: criteria provided, single submitter. Criteria: Invitae Variant Classification Sherloc (09022015). Collection method: clinical testing. Allele origin: germline.
Comment: This variant is not present in population databases (gnomAD no frequency). In summary, the available evidence is currently insufficient to determine the role of this variant in disease. Therefore, it has been classified as a Variant of Uncertain Significance. Algorithms developed to predict the effect of missense changes on protein structure and function are either unavailable or do not agree on the potential impact of this missense change (SIFT: "Deleterious"; PolyPhen-2: "Probably Damaging"; Align-GVGD: "Class C15"). ClinVar contains an entry for this variant (Variation ID: 1047722). This variant has not been reported in the literature in individuals affected with KIAA1549-related conditions. This sequence change replaces threonine, which is neutral and polar, with isoleucine, which is neutral and non-polar, at codon 1326 of the KIAA1549 protein (p.Thr1326Ile).

NM_001164665.2(KIAA1549):c.3977C>T (p.Thr1326Ile)

Gene: KIAA1549 (KIAA1549; minus strand). Cytogenetic location: 7q34.
Variant type: single nucleotide variant.
Coding change: c.3977C>T on transcript NM_001164665.2 (MANE Select); coding-DNA position 3977, C replaced by T.
Protein change: p.Thr1326Ile; replaces threonine 1326 with isoleucine.
Molecular consequence: missense variant.
Genome position (GRCh38, 1-based): chr7:138,894,397, G>A on the plus strand (C>T on the coding strand, the complement: KIAA1549 is on the minus strand). VCF-style: chr7-138894397-G-A. GRCh37 (hg19) VCF-style: chr7-138579143-G-A.
Other names: c.3977C>T, p.Thr1326Ile (NM_020910.3); short protein forms T1326I.
Identifiers: ClinVar variation 1047722 (VCV001047722.7), dbSNP rs1811626473, ClinGen allele CA369380349.
Genomic context (GRCh38, chr7:138,894,397, plus strand): 5'-GTTACCTTCTGACGCTGCTGAATGTTGGCCACAGTGTCAGGCTGAAAGTCTAGCTTGTCT[G>A]TGCGGCATAGTTTCCAGTAGAGGATGACAACAATCACCATCACCACCAGCACTGGGATGA-3'
Protein context (NP_001158137.1, residues 1316-1336): VVILYWKLCR[Thr1326Ile]DKLDFQPDTV